The following is an entry in ClinVar:

ClinVar aggregate classification (germline): Likely benign. Review status: reviewed by expert panel (3 of 4 stars). 5 submissions from 5 submitters: Likely benign (1). 4 of the submissions do not count toward it. Last evaluated 2017-06-29.

Conditions:
Hereditary cancer-predisposing syndrome. Also called: Hereditary Cancer Syndrome; Hereditary neoplastic syndrome; Tumor predisposition; Neoplastic Syndromes, Hereditary. Identifiers: Orphanet 140162, MedGen C0027672, MeSH D009386, MONDO:0015356.
Hereditary breast ovarian cancer syndrome. Also called: Hereditary breast and ovarian cancer syndrome; Hereditary breast and ovarian cancer syndrome (HBOC); BRCA1- and BRCA2-Associated Hereditary Breast and Ovarian Cancer; Breast and ovarian cancer; Hereditary breast and ovarian cancer; Hereditary breast and/or ovarian cancer syndrome. Identifiers: Orphanet 145, MedGen C0677776, MeSH D061325, MONDO:0003582. Disease mechanism: loss of function.
Breast-ovarian cancer, familial, susceptibility to, 1 (BROVCA1). Also called: OVARIAN CANCER, SUSCEPTIBILITY TO; BRCA1 Hereditary Breast and Ovarian Cancer. Identifiers: Orphanet 145, MedGen C2676676, MONDO:0011450, OMIM 604370. Disease mechanism: loss of function.

Allele frequency attached by ClinVar (database versions not stated): gnomAD exomes below 0.00001 and 0.00001.
gnomAD v4.1: 15 of 1,614,070 alleles (0.00093%); highest among the groups gnomAD compares: Non-Finnish European, 0.0011%; no homozygotes.

Submissions (5):

Evidence-based Network for the Interpretation of Germline Mutant Alleles (ENIGMA)
Classification: Likely benign for Breast-ovarian cancer, familial, susceptibility to, 1. Last evaluated: 2017-06-29. Review status: reviewed by expert panel. Criteria: ENIGMA BRCA1/2 Classification Criteria (2017-06-29). Collection method: curation. Allele origin: germline.
Comment: Synonymous substitution variant, with low bioinformatic likelihood to result in a splicing aberration (Splicing prior probability 0.02).

Labcorp Genetics (formerly Invitae), Labcorp
Classification: Likely benign for Hereditary breast ovarian cancer syndrome. Last evaluated: 2025-11-18. Review status: criteria provided, single submitter. Criteria: Invitae Variant Classification Sherloc (09022015). Collection method: clinical testing. Allele origin: germline. Not counted in ClinVar's aggregate classification.

Color Diagnostics, LLC DBA Color Health
Classification: Likely benign for Hereditary cancer-predisposing syndrome. Last evaluated: 2022-04-04. Review status: criteria provided, single submitter. Criteria: ACMG Guidelines, 2015. Collection method: clinical testing. Allele origin: germline. Not counted in ClinVar's aggregate classification.

Quest Diagnostics Nichols Institute San Juan Capistrano
Classification: Likely benign. Last evaluated: 2021-08-13. Review status: criteria provided, single submitter. Criteria: Quest Diagnostics criteria. Collection method: clinical testing. Allele origin: unknown. Not counted in ClinVar's aggregate classification.

Ambry Genetics
Classification: Likely benign for Hereditary cancer-predisposing syndrome. Last evaluated: 2014-06-18. Review status: criteria provided, single submitter. Criteria: Ambry Variant Classification Scheme 2023. Collection method: clinical testing. Allele origin: germline. Not counted in ClinVar's aggregate classification.

NM_007294.4(BRCA1):c.1071A>G (p.Lys357=)

Gene: BRCA1 (BRCA1 DNA repair associated; minus strand). Cytogenetic location: 17q21.31.
Variant type: single nucleotide variant.
Coding change: c.1071A>G on transcript NM_007294.4 (MANE Select); coding-DNA position 1071, A replaced by G.
Protein change: p.Lys357=; no amino-acid change (lysine 357 retained).
Molecular consequence: synonymous variant. On other transcripts: intron variant (137).
Genome position (GRCh38, 1-based): chr17:43,094,460, T>C on the plus strand (A>G on the coding strand, the complement: BRCA1 is on the minus strand). VCF-style: chr17-43094460-T-C. GRCh37 (hg19) VCF-style: chr17-41246477-T-C.
Other names: c.787+284A>G (NM_001407983.1, NM_001407975.1, NM_001407971.1 and 19 more transcripts); c.790+281A>G (NM_001408406.1); c.646+284A>G (NM_001408456.1, NM_001408410.1, NM_001408458.1 and 11 more transcripts); c.643+284A>G (NM_001408465.1, NM_001408463.1, NM_001408462.1 and 3 more transcripts); c.577+284A>G (NM_001408482.1, NM_001408484.1, NM_001408478.1 and 9 more transcripts); c.520+284A>G (NM_001408504.1, NM_001408503.1, NM_001408505.1); c.523+284A>G (NM_001408499.1, NM_001408498.1, NM_001408501.1 and 3 more transcripts); c.670+1386A>G (NM_001408422.1, NM_001408418.1, NM_001408423.1 and 2 more transcripts); and 40 more.
Identifiers: ClinVar variation 185419 (VCV000185419.20), dbSNP rs786202159, ClinGen allele CA000717.